The following is an entry in ClinVar:

ClinVar aggregate classification (germline): Likely benign (1 of 4 stars; one submission).

gnomAD v4.1: 55 of 1,614,016 alleles (0.0034%); highest among the groups gnomAD compares: South Asian, 0.0099%; no homozygotes.

Submission:

CeGaT Center for Human Genetics Tuebingen
Classification: Likely benign. Last evaluated: 2026-06-01. Review status: criteria provided, single submitter. Criteria: CeGaT Center For Human Genetics Tuebingen Variant Classification Criteria Version 2. Collection method: clinical testing. Allele origin: germline. Affected: yes. Observed: 1 variant allele.
Comment: PI4KA: BP4, BP7

NM_058004.4(PI4KA):c.4326C>T (p.Val1442=)

Gene: PI4KA (phosphatidylinositol 4-kinase alpha; minus strand). Cytogenetic location: 22q11.21.
Variant type: single nucleotide variant.
Coding change: c.4326C>T on transcript NM_058004.4 (MANE Select); coding-DNA position 4326, C replaced by T.
Protein change: p.Val1442=; no amino-acid change (valine 1442 retained).
Molecular consequence: synonymous variant.
Genome position (GRCh38, 1-based): chr22:20,729,974, G>A on the plus strand (C>T on the coding strand, the complement: PI4KA is on the minus strand). VCF-style: chr22-20729974-G-A. GRCh37 (hg19) VCF-style: chr22-21084262-G-A.
Other names: c.4233C>T, p.Val1411= (NM_001362862.2); c.4260C>T, p.Val1420= (NM_001362863.2).
Identifiers: ClinVar variation 4872855 (VCV004872855.2).